The following is an entry in ClinVar:

NM_002107.7(H3-3A):c.307G>T (p.Gly103Cys)

Gene: H3-3A (H3.3 histone A; plus strand). Cytogenetic location: 1q42.12.
Variant type: single nucleotide variant.
Coding change: c.307G>T on transcript NM_002107.7 (MANE Select); coding-DNA position 307, G replaced by T.
Protein change: p.Gly103Cys; replaces glycine 103 with cysteine.
Molecular consequence: missense variant.
Genome position (GRCh38, 1-based): chr1:226,071,375, G>T. VCF-style: chr1-226071375-G-T. GRCh37 (hg19) VCF-style: chr1-226259076-G-T.
Other names: c.307G>T, p.Gly103Cys (NM_001379043.1, NM_001379045.1, NM_001379046.1 and 1 more transcripts); short protein forms G103C.
Identifiers: ClinVar variation 4538990 (VCV004538990.1).

ClinVar aggregate classification (germline): Uncertain significance (1 of 4 stars; one submission).

Submission:

GeneDx
Classification: Uncertain significance. Last evaluated: 2025-06-22. Review status: criteria provided, single submitter. Criteria: GeneDx Variant Classification Process June 2021. Collection method: clinical testing. Allele origin: germline. Affected: yes.
Comment: Not observed at significant frequency in large population cohorts (gnomAD); In silico analysis supports that this missense variant has a deleterious effect on protein structure/function; Has not been previously published as pathogenic or benign to our knowledge